The following is an entry in ClinVar:

ClinVar aggregate classification (germline): Uncertain significance (1 of 4 stars; one submission).

Submission:

Labcorp Genetics (formerly Invitae), Labcorp
Classification: Uncertain significance. Last evaluated: 2025-10-02. Review status: criteria provided, single submitter. Criteria: Invitae Variant Classification Sherloc (09022015). Collection method: clinical testing. Allele origin: germline.
Comment: This sequence change replaces arginine, which is basic and polar, with tryptophan, which is neutral and slightly polar, at codon 1185 of the GRM1 protein (p.Arg1185Trp). This variant is not present in population databases (gnomAD no frequency). This variant has not been reported in the literature in individuals affected with GRM1-related conditions. ClinVar contains an entry for this variant (Variation ID: 3727346). An algorithm developed to predict the effect of missense changes on protein structure and function (PolyPhen-2) suggests that this variant is likely to be disruptive. In summary, the available evidence is currently insufficient to determine the role of this variant in disease. Therefore, it has been classified as a Variant of Uncertain Significance.

NM_001278064.2(GRM1):c.3553C>T (p.Arg1185Trp)

Gene: GRM1 (glutamate metabotropic receptor 1; plus strand). Cytogenetic location: 6q24.3.
Variant type: single nucleotide variant.
Coding change: c.3553C>T on transcript NM_001278064.2 (MANE Select); coding-DNA position 3553, C replaced by T.
Protein change: p.Arg1185Trp; replaces arginine 1185 with tryptophan.
Molecular consequence: missense variant. On other transcripts: 3 prime UTR variant (3).
Genome position (GRCh38, 1-based): chr6:146,434,764, C>T. VCF-style: chr6-146434764-C-T. GRCh37 (hg19) VCF-style: chr6-146755900-C-T.
Other names: c.*917C>T (NM_001278065.2); c.*882C>T (NM_001278066.1); c.*791C>T (NM_001278067.1); short protein forms R1185W.
Identifiers: ClinVar variation 3727346 (VCV003727346.2).